The following is an entry in ClinVar:

ClinVar aggregate classification (germline): Uncertain significance (1 of 4 stars; one submission).

Conditions:
Baller-Gerold syndrome (BGS). Also called: CRANIOSYNOSTOSIS WITH RADIAL DEFECTS. Identifiers: Orphanet 1225, MedGen C0265308, MONDO:0009039, OMIM 218600.

Allele frequency attached by ClinVar (database versions not stated): gnomAD exomes 0.00002 and 0.00004; ExAC 0.00003; gnomAD 0.00003 and 0.00004; TOPMed 0.00005; 1000 Genomes Project 30x 0.00031; 1000 Genomes Project 0.00040.
gnomAD v4.1: 31 of 1,612,326 alleles (0.0019%); highest among the groups gnomAD compares: Middle Eastern, 0.017%; no homozygotes.

Submission:

Labcorp Genetics (formerly Invitae), Labcorp
Classification: Uncertain significance for Baller-Gerold syndrome. Last evaluated: 2024-10-26. Review status: criteria provided, single submitter. Criteria: Invitae Variant Classification Sherloc (09022015). Collection method: clinical testing. Allele origin: germline.
Comment: This sequence change replaces arginine, which is basic and polar, with histidine, which is basic and polar, at codon 1208 of the RECQL4 protein (p.Arg1208His). This variant is present in population databases (rs563816306, gnomAD 0.009%). This variant has not been reported in the literature in individuals affected with RECQL4-related conditions. ClinVar contains an entry for this variant (Variation ID: 568101). An algorithm developed to predict the effect of missense changes on protein structure and function outputs the following: PolyPhen-2: "Not Available". The histidine amino acid residue is found in multiple mammalian species, which suggests that this missense change does not adversely affect protein function. In summary, the available evidence is currently insufficient to determine the role of this variant in disease. Therefore, it has been classified as a Variant of Uncertain Significance.

NM_004260.4(RECQL4):c.3623G>A (p.Arg1208His)

Gene: RECQL4 (RecQ like helicase 4; minus strand). Cytogenetic location: 8q24.3.
Variant type: single nucleotide variant.
Coding change: c.3623G>A on transcript NM_004260.4 (MANE Select); coding-DNA position 3623, G replaced by A.
Protein change: p.Arg1208His; replaces arginine 1208 with histidine.
Molecular consequence: missense variant.
Genome position (GRCh38, 1-based): chr8:144,511,435, C>T on the plus strand (G>A on the coding strand, the complement: RECQL4 is on the minus strand). VCF-style: chr8-144511435-C-T. GRCh37 (hg19) VCF-style: chr8-145736818-C-T.
Other names: short protein forms R1208H.
Identifiers: ClinVar variation 568101 (VCV000568101.8), dbSNP rs563816306, ClinGen allele CA4947620.
Genomic context (GRCh38, chr8:144,511,435, plus strand): 5'-ACTGCCCTAGCCTCTGACAACCCCAGCTCTACCCGACATCCCCCAATGCAGTGCAGTCAG[C>T]GGGCCACCTGCAGGAGCTCTTCCGTGGCCAGGCCCACCAGGGCATGGAAGCTCAGGTGCA-3'
Protein context (NP_004251.4, residues 1198-1208): LATEELLQVA[Arg1208His]